The following is an entry in ClinVar:

ClinVar aggregate classification (germline): Uncertain significance (1 of 4 stars; one submission).

Conditions:
Werner syndrome (WRN). Identifiers: Orphanet 902, MedGen C0043119, MONDO:0010196, OMIM 277700.

Submission:

Labcorp Genetics (formerly Invitae), Labcorp
Classification: Uncertain significance for Werner syndrome. Last evaluated: 2017-08-05. Review status: criteria provided, single submitter. Criteria: Invitae Variant Classification Sherloc (09022015). Collection method: clinical testing. Allele origin: germline.
Comment: Algorithms developed to predict the effect of missense changes on protein structure and function output the following: SIFT: "Tolerated"; PolyPhen-2: "Benign"; Align-GVGD: "Class C0". The alanine amino acid residue is found in multiple mammalian species, suggesting that this missense change does not adversely affect protein function. In addition, an experimental study has shown that the Thr1152Ala missense change, in combination with additional WRN missense changes, results in reduced ATR phosphorylation at residues important for correct WRN nuclear localization and replication protein A (RPA) co-localization (PMID: 20802463). However, the clinical significance of this finding is unclear, as the impact of each individual missense change was not specifically assessed. In summary, the available evidence is currently insufficient to determine the role of this variant in disease. Therefore, it has been classified as a Variant of Uncertain Significance. This variant has not been reported in the literature in individuals with WRN-related disease. This variant is not present in population databases (ExAC no frequency). This sequence change replaces threonine with alanine at codon 1152 of the WRN protein (p.Thr1152Ala). The threonine residue is moderately conserved and there is a small physicochemical difference between threonine and alanine.

Literature cited by the submitters: PubMed 20802463.

NM_000553.6(WRN):c.3454A>G (p.Thr1152Ala)

Gene: WRN (WRN RecQ like helicase; plus strand). Cytogenetic location: 8p12.
Variant type: single nucleotide variant.
Coding change: c.3454A>G on transcript NM_000553.6 (MANE Select); coding-DNA position 3454, A replaced by G.
Protein change: p.Thr1152Ala; replaces threonine 1152 with alanine.
Molecular consequence: missense variant.
Genome position (GRCh38, 1-based): chr8:31,147,123, A>G. VCF-style: chr8-31147123-A-G. GRCh37 (hg19) VCF-style: chr8-31004639-A-G.
Other names: short protein forms T1152A.
Identifiers: ClinVar variation 528175 (VCV000528175.4), dbSNP rs1309001891, ClinGen allele CA370925559.
Genomic context (GRCh38, chr8:31,147,123, plus strand): 5'-CAGTCACCAGAAAAAGCTTACAGTTCCTCACAGCCTGTTATTTCGGCACAAGAGCAGGAG[A>G]CTCAGGTAAGGCTTTTGTAAAAAGGTAATTAGTTTATGATAGGATAGTTATGATTCTATG-3'
Protein context (NP_000544.2, residues 1142-1162): QPVISAQEQE[Thr1152Ala]QIVLYGKLVE